The following is an entry in ClinVar:

ClinVar aggregate classification (germline): Pathogenic (1 of 4 stars; one submission).

Conditions:
Ataxia-telangiectasia syndrome (AT). Also called: LOUIS-BAR SYNDROME; Cerebello-oculocutaneous telangiectasia; Immunodeficiency with ataxia telangiectasia; Ataxia telangiectasia (A-T); Ataxia-telangiectasia, complementation group D; AT, COMPLEMENTATION GROUP C. Identifiers: Orphanet 100, MedGen C0004135, MONDO:0008840, OMIM 208900.

Submission:

Labcorp Genetics (formerly Invitae), Labcorp
Classification: Pathogenic for Ataxia-telangiectasia syndrome. Last evaluated: 2023-05-23. Review status: criteria provided, single submitter. Criteria: Invitae Variant Classification Sherloc (09022015). Collection method: clinical testing. Allele origin: germline.
Comment: This variant is not present in population databases (gnomAD no frequency). This sequence change creates a premature translational stop signal (p.Ala2893Leufs*45) in the ATM gene. It is expected to result in an absent or disrupted protein product. Loss-of-function variants in ATM are known to be pathogenic (PMID: 23807571, 25614872). This variant has not been reported in the literature in individuals affected with ATM-related conditions. For these reasons, this variant has been classified as Pathogenic.

Literature cited by the submitters: PubMed 23807571; PubMed 25614872.

NM_000051.4(ATM):c.8676del (p.Ala2893fs)

Genes: ATM (ATM serine/threonine kinase; plus strand), C11orf65 (chromosome 11 open reading frame 65; minus strand). Cytogenetic location: 11q22.3.
Variant type: Deletion.
Coding change: c.8676del on transcript NM_000051.4 (MANE Select); coding-DNA position 8676, one base deleted (T; older notation c.8676delT).
Protein change: p.Ala2893fs; shifts the reading frame from alanine 2893.
Molecular consequence: frameshift variant. On other transcripts: intron variant (2).
Genome position (GRCh38, 1-based): chr11:108,353,770, T deleted; the last of 2 consecutive T bases (chr11:108,353,769-108,353,770); deleting either gives the same sequence. VCF-style (leftmost placement, unchanged base first): chr11-108353768-GT-G. GRCh37 (hg19) VCF-style: chr11-108224495-GT-G.
Other names: c.8676del, p.Ala2893fs (NM_001351834.2); c.640+32151del (NM_001330368.2); c.695-18477del (NM_001351110.2); short protein forms A2893fs.
Identifiers: ClinVar variation 2743997 (VCV002743997.3), dbSNP rs2089492486, ClinGen allele CA2697558885.